The following is an entry in ClinVar:

NM_000202.8(IDS):c.419-1G>A

Genes: IDS (iduronate 2-sulfatase; minus strand), LOC106050102 (IDS recombination region; plus strand). Cytogenetic location: Xq28.
Variant type: single nucleotide variant.
Coding change: c.419-1G>A on transcript NM_000202.8 (MANE Select); the canonical splice acceptor site of the intron before coding-DNA position 419, G replaced by A.
Molecular consequence: splice acceptor variant.
Genome position (GRCh38, 1-based): chrX:149,501,038, C>T on the plus strand (G>A on the coding strand, the complement: IDS is on the minus strand). VCF-style: chrX-149501038-C-T. GRCh37 (hg19) VCF-style: chrX-148582569-C-T.
Other names: c.149-1G>A (NM_001166550.4); c.419-1G>A (NM_006123.5).
Identifiers: ClinVar variation 527324 (VCV000527324.13), dbSNP rs1557339927, ClinGen allele CA414523337.

ClinVar aggregate classification (germline): Pathogenic/Likely pathogenic. Review status: criteria provided, multiple submitters, no conflicts (2 of 4 stars). 4 submissions from 4 submitters: Pathogenic (3); Likely pathogenic (1). Last evaluated 2024-06-07.

Conditions:
Mucopolysaccharidosis, MPS-II (MPS2). Also called: IDS deficiency; Sulfoiduronate sulfatase deficiency; SIDS deficiency; Mucopolysaccharidosis with skin involvement; Mucopolysaccharidosis type 2; Attenuated MPS (subtype; formerly known as mild MPS II). Identifiers: Orphanet 580, Orphanet 79388, MedGen C0026705, MONDO:0010674, OMIM 309900.

Submissions (5):

Laboratory of Diagnosis and Therapy of Lysosomal Disorders, University of Padova
Classification: Pathogenic for Mucopolysaccharidosis, MPS-II. Last evaluated: 2024-06-07. Review status: criteria provided, single submitter. Criteria: ACMG Guidelines, 2015. Collection method: literature only. Allele origin: germline. Affected: yes. Observed: 1 variant allele.
Comment: Null variant (PVS1_VeryStrong), Absent from controls (or at low frequency) in gnomAD database (PM2_Moderate), Patient’s phenotype or family history highly specific for the disease (PP4_Strong)

Classification method: ACMG Guidelines [PMID:25741868] with modifications

Genome-Nilou Lab
Classification: Pathogenic for Mucopolysaccharidosis, MPS-II. Last evaluated: 2021-09-05. Review status: criteria provided, single submitter. Criteria: ACMG Guidelines, 2015. Collection method: clinical testing. Allele origin: germline. Affected: no.

Women's Health and Genetics/Laboratory Corporation of America, LabCorp
Classification: Likely pathogenic for Mucopolysaccharidosis, MPS-II. Last evaluated: 2021-05-17. Review status: criteria provided, single submitter. Criteria: LabCorp Variant Classification Summary - May 2015. Collection method: clinical testing. Allele origin: germline.
Comment: Variant summary: IDS c.419-1G>A is located in a canonical splice-site and is predicted to affect mRNA splicing resulting in a significantly altered protein due to either exon skipping, shortening, or inclusion of intronic material. Several computational tools predict a significant impact on normal splicing: Four predict the variant abolishes the canonical 3' acceptor site. Four predict the variant creates an adjacent alternative canonical 3' acceptor site. However, these predictions have yet to be confirmed by functional studies. The variant was absent in 181712 control chromosomes. To our knowledge, no occurrence of c.419-1G>A in individuals affected with Mucopolysaccharidosis Type II (Hunter Syndrome) and no experimental evidence demonstrating its impact on protein function have been reported. One clinical diagnostic laboratory has submitted clinical-significance assessments for this variant to ClinVar after 2014 and classified the variant as pathogenic based on the identification of another splice variant, c.419-1G>C that has been reported in a patient with Mucopolysaccharidosis Type II (Hunter Syndrome). Based on the evidence outlined above, the variant was classified as likely pathogenic.

Labcorp Genetics (formerly Invitae), Labcorp
Classification: Pathogenic for Mucopolysaccharidosis, MPS-II. Last evaluated: 2017-10-27. Review status: criteria provided, single submitter. Criteria: Invitae Variant Classification Sherloc (09022015). Collection method: clinical testing. Allele origin: germline.
Comment: For these reasons, this variant has been classified as Pathogenic. Donor and acceptor splice site variants typically lead to a loss of protein function (PMID: 16199547), and loss-of-function variants in IDS are known to be pathogenic (PMID: 8940265, 9875019). A different variant affecting this nucleotide (c.419-1G>C) has been determined to be pathogenic (PMID: 27351199). This suggests that this nucleotide is important for normal RNA splicing, and that other variants at this position may also be pathogenic. Algorithms developed to predict the effect of sequence changes on RNA splicing suggest that this variant may disrupt the consensus splice site, but this prediction has not been confirmed by published transcriptional studies. This variant has not been reported in the literature in individuals with IDS-related disease. This variant is not present in population databases (ExAC no frequency). This sequence change affects an acceptor splice site in intron 3 of the IDS gene. It is expected to disrupt RNA splicing and likely results in an absent or disrupted protein product.

Dr. Peter K. Rogan Lab, Western University
No classification provided (evidence only). Condition: Thyroid cancer, nonmedullary, 1. Review status: no classification provided. Collection method: in vitro. Allele origin: not applicable. Functional consequence: cryptic splice site. Not counted in ClinVar's aggregate classification.

Literature cited by the submitters: PubMed 36945845 (cited by Laboratory of Diagnosis and Therapy of Lysosomal Disorders, University of Padova); PubMed 16199547 (cited by Labcorp Genetics (formerly Invitae), Labcorp); PubMed 8940265 (cited by Labcorp Genetics (formerly Invitae), Labcorp); PubMed 9875019 (cited by Labcorp Genetics (formerly Invitae), Labcorp); PubMed 27351199 (cited by Labcorp Genetics (formerly Invitae), Labcorp).